The following is an entry in ClinVar:

ClinVar aggregate classification (germline): Likely benign (1 of 4 stars; one submission).

Allele frequency attached by ClinVar (database versions not stated): gnomAD 0.00094; ExAC 0.00101; 1000 Genomes Project 0.00020; 1000 Genomes Project 30x 0.00031; TOPMed 0.00104; ESP Exome Variant Server 0.00108; gnomAD exomes 0.00160.
gnomAD v4.1: 2,456 of 1,614,214 alleles (0.15%); highest among the groups gnomAD compares: Non-Finnish European, 0.2%; 4 homozygotes.

Submissions (2):

CeGaT Center for Human Genetics Tuebingen
Classification: Likely benign. Last evaluated: 2022-06-01. Review status: criteria provided, single submitter. Criteria: CeGaT Center For Human Genetics Tuebingen Variant Classification Criteria Version 2. Collection method: clinical testing. Allele origin: germline. Affected: yes. Observed: 1 variant allele.
Comment: PRKCA: BS1

Dr. Peter K. Rogan Lab, Western University
No classification provided (evidence only). Condition: Malignant tumor of urinary bladder. Review status: no classification provided. Collection method: in vitro. Allele origin: not applicable. Functional consequence: retained intron. Not counted in ClinVar's aggregate classification.

NM_002737.3(PRKCA):c.1465A>G (p.Met489Val)

Gene: PRKCA (protein kinase C alpha; plus strand). Cytogenetic location: 17q24.2.
Variant type: single nucleotide variant.
Coding change: c.1465A>G on transcript NM_002737.3 (MANE Select); coding-DNA position 1465, A replaced by G.
Protein change: p.Met489Val; replaces methionine 489 with valine.
Molecular consequence: missense variant.
Genome position (GRCh38, 1-based): chr17:66,742,701, A>G. VCF-style: chr17-66742701-A-G. GRCh37 (hg19) VCF-style: chr17-64738819-A-G.
Other names: NC_000017.10:g.64738819A>G; short protein forms M489V.
Identifiers: ClinVar variation 2648113 (VCV002648113.25), dbSNP rs34406842, ClinGen allele CA8721007.